The following is an entry in ClinVar:

NM_017852.5(NLRP2):c.1503C>T (p.Phe501=)

Gene: NLRP2 (NLR family pyrin domain containing 2; plus strand). Cytogenetic location: 19q13.42.
Variant type: single nucleotide variant.
Coding change: c.1503C>T on transcript NM_017852.5 (MANE Select); coding-DNA position 1503, C replaced by T.
Protein change: p.Phe501=; no amino-acid change (phenylalanine 501 retained).
Molecular consequence: synonymous variant. On other transcripts: non-coding transcript variant (1).
Genome position (GRCh38, 1-based): chr19:54,983,201, C>T. VCF-style: chr19-54983201-C-T. GRCh37 (hg19) VCF-style: chr19-55494569-C-T.
Other names: c.1503C>T, p.Phe501= (NM_001174081.3); c.1437C>T, p.Phe479= (NM_001174082.3); c.1434C>T, p.Phe478= (NM_001174083.2); c.1494C>T, p.Phe498= (NM_001348003.2).
Identifiers: ClinVar variation 3058846 (VCV003058846.2), dbSNP rs2516610106, ClinGen allele CA2740096973.

ClinVar aggregate classification (germline): Likely benign (0 of 4 stars; one submission).

Conditions:
NLRP2-related disorder. Also called: NLRP2-related condition.

Submission:

PreventionGenetics, part of Exact Sciences
Classification: Likely benign for NLRP2-related condition. Last evaluated: 2021-07-19. Review status: no assertion criteria provided. Collection method: clinical testing. Allele origin: germline.
Comment: This variant is classified as likely benign based on ACMG/AMP sequence variant interpretation guidelines (Richards et al. 2015 PMID: 25741868, with internal and published modifications).